The following is an entry in ClinVar:

NM_031885.5(BBS2):c.1786G>A (p.Val596Met)

Gene: BBS2 (Bardet-Biedl syndrome 2; minus strand). Cytogenetic location: 16q13.
Variant type: single nucleotide variant.
Coding change: c.1786G>A on transcript NM_031885.5 (MANE Select); coding-DNA position 1786, G replaced by A.
Protein change: p.Val596Met; replaces valine 596 with methionine.
Molecular consequence: missense variant. On other transcripts: non-coding transcript variant (5).
Genome position (GRCh38, 1-based): chr16:56,497,754, C>T on the plus strand (G>A on the coding strand, the complement: BBS2 is on the minus strand). VCF-style: chr16-56497754-C-T. GRCh37 (hg19) VCF-style: chr16-56531666-C-T.
Other names: c.1786G>A (NM_031885.3); c.1786G>A, p.Val596Met (NM_001377456.1); short protein forms V596M.
Identifiers: ClinVar variation 1412652 (VCV001412652.9), dbSNP rs375828912, ClinGen allele CA8065627.
Genomic context (GRCh38, chr16:56,497,754, plus strand): 5'-ATTATTAGACTACCACATTCTCACAAATGCATCTACCGCATTCCCTCACCTTAACTAGCA[C>T]CTTTCGTAATTCCTCAAAATAGACAGGAAAATCCGCTTCTACTTGAAGGTCTTCAATAGC-3'
Protein context (NP_114091.4, residues 586-606): FPVYFEELRK[Val596Met]LVKVDEYHSV

ClinVar aggregate classification (germline): Uncertain significance. Review status: criteria provided, multiple submitters, no conflicts (2 of 4 stars). 4 submissions from 4 submitters: Uncertain significance (4). Last evaluated 2026-02-09.

Conditions:
Bardet-Biedl syndrome 2 (BBS2). Identifiers: Orphanet 110, MedGen C2936863, MONDO:0014432, OMIM 615981.
Retinitis pigmentosa 74 (RP74). Identifiers: Orphanet 791, MedGen C4225281, MONDO:0014692, OMIM 616562.
BBS2-related disorder. Also called: BBS2-related disorders; BBS2-related condition. Identifiers: MedGen CN239228.
Inborn genetic diseases. Identifiers: MedGen C0950123, MeSH D030342.
Bardet-Biedl syndrome (BBS). Identifiers: Orphanet 110, MedGen C0752166, MONDO:0015229.

Allele frequency attached by ClinVar (database versions not stated): gnomAD exomes below 0.00001 and 0.00001; ExAC 0.00001; TOPMed 0.00006; gnomAD 0.00007 and 0.00008; ESP Exome Variant Server 0.00008.
gnomAD v4.1: 15 of 1,613,340 alleles (0.00093%); highest among the groups gnomAD compares: African/African-American, 0.017%; no homozygotes.

Submissions (4):

PreventionGenetics, part of Exact Sciences
Classification: Uncertain significance for BBS2-related condition. Last evaluated: 2026-02-09. Review status: criteria provided, single submitter. Criteria: ACMG Guidelines, 2015. Collection method: clinical testing. Allele origin: germline.
Comment: The BBS2 c.1786G>A variant is predicted to result in the amino acid substitution p.Val596Met. To our knowledge, this variant has not been reported in the literature. This variant is reported in 0.012% of alleles in individuals of African descent in gnomAD. At this time, the clinical significance of this variant is uncertain due to the absence of conclusive functional and genetic evidence.

Fulgent Genetics
Classification: Uncertain significance for Bardet-Biedl syndrome 2; Retinitis pigmentosa 74. Last evaluated: 2024-06-06. Review status: criteria provided, single submitter. Criteria: ACMG Guidelines, 2015. Collection method: clinical testing. Allele origin: germline.

Ambry Genetics
Classification: Uncertain significance for Inborn genetic diseases. Last evaluated: 2024-04-01. Review status: criteria provided, single submitter. Criteria: Ambry Variant Classification Scheme 2023. Collection method: clinical testing. Allele origin: germline.

Labcorp Genetics (formerly Invitae), Labcorp
Classification: Uncertain significance for Bardet-Biedl syndrome. Last evaluated: 2022-07-25. Review status: criteria provided, single submitter. Criteria: Invitae Variant Classification Sherloc (09022015). Collection method: clinical testing. Allele origin: germline.
Comment: This sequence change replaces valine, which is neutral and non-polar, with methionine, which is neutral and non-polar, at codon 596 of the BBS2 protein (p.Val596Met). This variant is present in population databases (rs375828912, gnomAD 0.01%). This variant has not been reported in the literature in individuals affected with BBS2-related conditions. ClinVar contains an entry for this variant (Variation ID: 1412652). Algorithms developed to predict the effect of missense changes on protein structure and function are either unavailable or do not agree on the potential impact of this missense change (SIFT: "Deleterious"; PolyPhen-2: "Possibly Damaging"; Align-GVGD: "Class C0"). Algorithms developed to predict the effect of sequence changes on RNA splicing suggest that this variant may disrupt the consensus splice site. In summary, the available evidence is currently insufficient to determine the role of this variant in disease. Therefore, it has been classified as a Variant of Uncertain Significance.